The following is an entry in ClinVar:

ClinVar aggregate classification (germline): Uncertain significance (1 of 4 stars; one submission).

Conditions:
Inborn genetic diseases. Identifiers: MedGen C0950123, MeSH D030342.

Submission:

Ambry Genetics
Classification: Uncertain significance for Inborn genetic diseases. Last evaluated: 2026-04-26. Review status: criteria provided, single submitter. Criteria: Ambry Variant Classification Scheme 2023. Collection method: clinical testing. Allele origin: germline.
Comment: The p.C144F variant (also known as c.431G>T), located in coding exon 2 of the ERCC6L2 gene, results from a G to T substitution at nucleotide position 431. The cysteine at codon 144 is replaced by phenylalanine, an amino acid with highly dissimilar properties. This amino acid position is conserved. In addition, this alteration is predicted to be deleterious by in silico analysis. Based on the available evidence, the clinical significance of this variant remains unclear.

NM_020207.7(ERCC6L2):c.431G>T (p.Cys144Phe)

Gene: ERCC6L2 (ERCC excision repair 6 like 2; plus strand). Cytogenetic location: 9q22.32.
Variant type: single nucleotide variant.
Coding change: c.431G>T on transcript NM_020207.7 (MANE Select); coding-DNA position 431, G replaced by T.
Protein change: p.Cys144Phe; replaces cysteine 144 with phenylalanine.
Molecular consequence: missense variant. On other transcripts: non-coding transcript variant (1).
Genome position (GRCh38, 1-based): chr9:95,881,253, G>T. VCF-style: chr9-95881253-G-T. GRCh37 (hg19) VCF-style: chr9-98643535-G-T.
Other names: c.431G>T, p.Cys144Phe (NM_001375294.1, NM_001010895.4, NM_001375291.1 and 2 more transcripts); short protein forms C144F.
Identifiers: ClinVar variation 4870596 (VCV004870596.1).
Genomic context (GRCh38, chr9:95,881,253, plus strand): 5'-GAGACTACCAAAGAGAAGGAACCCGGTTTCTTTATGGACACTACATCCATGGAGGAGGGT[G>T]CATTCTGGGTGATGACATGGGACTTGGAAAAACAGTACAGGTATTTAATTATGTTATAAC-3'
Protein context (NP_064592.3, residues 134-154): LYGHYIHGGG[Cys144Phe]ILGDDMGLGK